The following is an entry in ClinVar:

ClinVar aggregate classification (germline): Uncertain significance (1 of 4 stars; one submission).

Submission:

GeneDx
Classification: Uncertain significance. Last evaluated: 2024-06-20. Review status: criteria provided, single submitter. Criteria: GeneDx Variant Classification Process June 2021. Collection method: clinical testing. Allele origin: germline. Affected: yes.
Comment: Not observed at significant frequency in large population cohorts (gnomAD); In silico analysis supports that this missense variant has a deleterious effect on protein structure/function; Has not been previously published as pathogenic or benign to our knowledge

NM_006180.6(NTRK2):c.1691C>A (p.Ala564Asp)

Gene: NTRK2 (neurotrophic receptor tyrosine kinase 2; plus strand). Cytogenetic location: 9q21.33.
Variant type: single nucleotide variant.
Coding change: c.1691C>A on transcript NM_006180.6 (MANE Select); coding-DNA position 1691, C replaced by A.
Protein change: p.Ala564Asp; replaces alanine 564 with aspartic acid.
Molecular consequence: missense variant.
Genome position (GRCh38, 1-based): chr9:84,934,219, C>A. VCF-style: chr9-84934219-C-A. GRCh37 (hg19) VCF-style: chr9-87549134-C-A.
Other names: c.1643C>A, p.Ala548Asp (NM_001018064.3, NM_001369532.1, NM_001369533.1); c.1607C>A, p.Ala536Asp (NM_001369534.1); c.1175C>A, p.Ala392Asp (NM_001369535.1); c.1223C>A, p.Ala408Asp (NM_001369536.1); short protein forms A392D, A408D, A536D, A548D, A564D.
Identifiers: ClinVar variation 3391651 (VCV003391651.1).